The following is an entry in ClinVar:

ClinVar aggregate classification (germline): Uncertain significance. Review status: criteria provided, multiple submitters, no conflicts (2 of 4 stars). 3 submissions from 3 submitters: Uncertain significance (3). Last evaluated 2025-01-06.

Conditions:
Hereditary spastic paraplegia. Also called: Familial spastic paraparesis. Identifiers: Orphanet 685, MedGen C0037773, MONDO:0019064. Disease mechanism: loss of function.
Hereditary spastic paraplegia 48. Also called: SPASTIC PARAPLEGIA 48, AUTOSOMAL RECESSIVE; Spastic paraplegia 48. Identifiers: Orphanet 306511, MedGen C3150901, MONDO:0013342, OMIM 613647.

Allele frequency attached by ClinVar (database versions not stated): gnomAD exomes 0.00004; ExAC 0.00008; ESP Exome Variant Server 0.00008; TOPMed 0.00008; gnomAD 0.00010 and 0.00013; 1000 Genomes Project 30x 0.00062; 1000 Genomes Project 0.00080.
gnomAD v4.1: 158 of 1,609,430 alleles (0.0098%); highest among the groups gnomAD compares: Non-Finnish European, 0.012%; no homozygotes.

Submissions (3):

Labcorp Genetics (formerly Invitae), Labcorp
Classification: Uncertain significance for Hereditary spastic paraplegia 48. Last evaluated: 2025-01-06. Review status: criteria provided, single submitter. Criteria: Invitae Variant Classification Sherloc (09022015). Collection method: clinical testing. Allele origin: germline.
Comment: This sequence change replaces glutamic acid, which is acidic and polar, with lysine, which is basic and polar, at codon 672 of the AP5Z1 protein (p.Glu672Lys). This variant is present in population databases (rs145463842, gnomAD 0.01%). This missense change has been observed in individual(s) with hereditary spastic paraplegia (PMID: 28832565). ClinVar contains an entry for this variant (Variation ID: 424693). Invitae Evidence Modeling of protein sequence and biophysical properties (such as structural, functional, and spatial information, amino acid conservation, physicochemical variation, residue mobility, and thermodynamic stability) indicates that this missense variant is expected to disrupt AP5Z1 protein function with a positive predictive value of 80%. In summary, the available evidence is currently insufficient to determine the role of this variant in disease. Therefore, it has been classified as a Variant of Uncertain Significance.

Unit for Genetic & Epidemiological Research on Neurological Disorders, Instituto de Investigação e Inovação em Saúde
Classification: Uncertain significance for Hereditary spastic paraplegia. Last evaluated: 2017-03-07. Review status: criteria provided, single submitter. Criteria: Morais et al. (Eur J Hum Genet. 2017). Collection method: research. Allele origin: unknown. Affected: yes.

Genome Diagnostics Laboratory, The Hospital for Sick Children
Classification: Uncertain significance for Hereditary spastic paraplegia. Last evaluated: 2016-12-12. Review status: criteria provided, single submitter. Criteria: ACMG Guidelines, 2015. Collection method: clinical testing. Allele origin: germline. Affected: yes.

Literature cited by the submitters: PubMed 28832565 (cited by Labcorp Genetics (formerly Invitae), Labcorp).

NM_014855.3(AP5Z1):c.2014G>A (p.Glu672Lys)

Gene: AP5Z1 (adaptor related protein complex 5 subunit zeta 1; plus strand). Cytogenetic location: 7p22.1.
Variant type: single nucleotide variant.
Coding change: c.2014G>A on transcript NM_014855.3 (MANE Select); coding-DNA position 2014, G replaced by A.
Protein change: p.Glu672Lys; replaces glutamic acid 672 with lysine.
Molecular consequence: missense variant. On other transcripts: non-coding transcript variant (1).
Genome position (GRCh38, 1-based): chr7:4,790,748, G>A. VCF-style: chr7-4790748-G-A. GRCh37 (hg19) VCF-style: chr7-4830379-G-A.
Other names: c.2014G>A, p.Glu672Lys (LRG_1247t1); c.1546G>A, p.Glu516Lys (NM_001364858.1); short protein forms E672K, E516K.
Identifiers: ClinVar variation 424693 (VCV000424693.8), dbSNP rs145463842, ClinGen allele CA4138263.